The following is an entry in ClinVar:

ClinVar aggregate classification (germline): Likely pathogenic. Review status: criteria provided, single submitter (1 of 4 stars). 2 submissions from 2 submitters: Likely pathogenic (1). 1 of the submissions does not count toward it. Last evaluated 2024-12-06.

Conditions:
Congenital erythropoietic porphyria. Also called: Cutaneous porphyria; Porphyria, Erythropoietic; Congenital porphyria; Günther disease; Uroporphyrinogen III synthase, deficiency of; UROPORPHYRINOGEN III SYNTHASE DEFICIENCY. Identifiers: Orphanet 79277, MedGen C5886774, MONDO:0009902, OMIM 263700.

Submissions (2):

3billion
Classification: Likely pathogenic for Congenital erythropoietic porphyria. Last evaluated: 2024-12-06. Review status: criteria provided, single submitter. Criteria: ACMG Guidelines, 2015. Collection method: clinical testing. Allele origin: germline. Affected: yes.
Comment: The variant is not observed in the gnomAD v4.1.0 dataset. Predicted Consequence/Location: Missense variant Functional studies provide moderate evidence of the variant having a damaging effect on the gene or gene product (PMID: 15304101). In silico tool predictions suggest damaging effect of the variant on gene or gene product [REVEL: 0.70 (>=0.6, sensitivity 0.68 and specificity 0.92)]. The same nucleotide change resulting in the same amino acid change has been previously reported to be associated with UROS-related disorder (PMID: 15304101). The variant has been reported to co-segregate with the disease in at least 3 similarly affected relatives/individuals in the same family or similarly affected unrelated family (PMID: 15304101). Therefore, this variant is classified as Likely pathogenic according to the recommendation of ACMG/AMP guideline.

GeneReviews
No classification provided. Condition: Congenital erythropoietic porphyria. Review status: no classification provided. Collection method: literature only. Allele origin: germline. Not counted in ClinVar's aggregate classification.
Comment: Associated with a severe CEP phenotype; however, in 1 family with 5 children homozygous for this variant, 4 children had severe clinical findings while 1 had very mild cutaneous findings.

Literature cited by the submitters: PubMed 15304101 (cited by 3billion and GeneReviews).

NM_000375.3(UROS):c.139T>C (p.Ser47Pro)

Gene: UROS (uroporphyrinogen III synthase; minus strand). Cytogenetic location: 10q26.2.
Variant type: single nucleotide variant.
Coding change: c.139T>C on transcript NM_000375.3 (MANE Select); coding-DNA position 139, T replaced by C.
Protein change: p.Ser47Pro; replaces serine 47 with proline.
Molecular consequence: missense variant. On other transcripts: non-coding transcript variant (2).
Genome position (GRCh38, 1-based): chr10:125,816,185, A>G on the plus strand (T>C on the coding strand, the complement: UROS is on the minus strand). VCF-style: chr10-125816185-A-G. GRCh37 (hg19) VCF-style: chr10-127504754-A-G.
Other names: c.139T>C, p.Ser47Pro (NM_001324036.2, NM_001324037.2, NM_001324038.2 and 1 more transcripts); short protein forms S47P.
Identifiers: ClinVar variation 65600 (VCV000065600.5), dbSNP rs397515527, ClinGen allele CA344925.